The following is an entry in ClinVar:

NM_021076.4(NEFH):c.1441G>A (p.Glu481Lys)

Gene: NEFH (neurofilament heavy chain; plus strand). Cytogenetic location: 22q12.2.
Variant type: single nucleotide variant.
Coding change: c.1441G>A on transcript NM_021076.4 (MANE Select); coding-DNA position 1441, G replaced by A.
Protein change: p.Glu481Lys; replaces glutamic acid 481 with lysine.
Molecular consequence: missense variant.
Genome position (GRCh38, 1-based): chr22:29,489,081, G>A. VCF-style: chr22-29489081-G-A. GRCh37 (hg19) VCF-style: chr22-29885070-G-A.
Other names: short protein forms E481K.
Identifiers: ClinVar variation 1345309 (VCV001345309.8), dbSNP rs764348949, ClinGen allele CA10174209.

ClinVar aggregate classification (germline): Uncertain significance (1 of 4 stars; one submission).

Allele frequency attached by ClinVar (database versions not stated): gnomAD exomes below 0.00001 and 0.00001; ExAC 0.00001.

Submission:

Labcorp Genetics (formerly Invitae), Labcorp
Classification: Uncertain significance. Last evaluated: 2025-05-25. Review status: criteria provided, single submitter. Criteria: Invitae Variant Classification Sherloc (09022015). Collection method: clinical testing. Allele origin: germline.
Comment: This sequence change replaces glutamic acid, which is acidic and polar, with lysine, which is basic and polar, at codon 481 of the NEFH protein (p.Glu481Lys). This variant is present in population databases (rs764348949, gnomAD 0.003%). This variant has not been reported in the literature in individuals affected with NEFH-related conditions. ClinVar contains an entry for this variant (Variation ID: 1345309). Invitae Evidence Modeling of protein sequence and biophysical properties (such as structural, functional, and spatial information, amino acid conservation, physicochemical variation, residue mobility, and thermodynamic stability) indicates that this missense variant is not expected to disrupt NEFH protein function with a negative predictive value of 95%. In summary, the available evidence is currently insufficient to determine the role of this variant in disease. Therefore, it has been classified as a Variant of Uncertain Significance.